The following is an entry in ClinVar:

ClinVar aggregate classification (germline): Pathogenic. Review status: criteria provided, multiple submitters, no conflicts (2 of 4 stars). 2 submissions from 2 submitters: Pathogenic (2). Last evaluated 2023-04-09.

Conditions:
Fraser syndrome 2 (FRASRS2). Identifiers: MedGen C4540036, MONDO:0054738, OMIM 617666.

Allele frequency attached by ClinVar (database versions not stated): TOPMed 0.00001.
gnomAD v4.1: 5 of 1,613,166 alleles (0.00031%); highest among the groups gnomAD compares: South Asian, 0.0011%; no homozygotes.

Submissions (2):

Labcorp Genetics (formerly Invitae), Labcorp
Classification: Pathogenic. Last evaluated: 2023-04-09. Review status: criteria provided, single submitter. Criteria: Invitae Variant Classification Sherloc (09022015). Collection method: clinical testing. Allele origin: germline.
Comment: For these reasons, this variant has been classified as Pathogenic. This variant has not been reported in the literature in individuals affected with FREM2-related conditions. This variant is present in population databases (no rsID available, gnomAD 0.0009%). This sequence change creates a premature translational stop signal (p.Arg809*) in the FREM2 gene. It is expected to result in an absent or disrupted protein product. Loss-of-function variants in FREM2 are known to be pathogenic (PMID: 18203166, 26552811).

Suma Genomics
Classification: Pathogenic for Fraser syndrome 2. Review status: criteria provided, single submitter. Criteria: ACMG Guidelines, 2015. Collection method: clinical testing. Allele origin: germline. Inheritance: Autosomal recessive inheritance. Affected: yes. Observed: 1 variant allele, 1 homozygote.
Comment: This variant is observed in five individuals in the gnomAD database in a heterozygous state. Biallelic loss-of-function variants in FREM2 are associated with Cryptophthalmos, unilateral or bilateral, isolated (MIM# 123570) and Fraser syndrome 2 (MIM# 617666). ACMG classification: Pathogenic Criteria met: PVS1: Null variant in a gene where loss of function is a known mechanism of disease PM2: Extremely low frequency in gnomAD population databases PP1_Moderate: Cosegregation

Literature cited by the submitters: PubMed 18203166 (cited by Labcorp Genetics (formerly Invitae), Labcorp); PubMed 26552811 (cited by Labcorp Genetics (formerly Invitae), Labcorp).

NM_207361.6(FREM2):c.2425C>T (p.Arg809Ter)

Gene: FREM2 (FRAS1 related extracellular matrix 2; plus strand). Cytogenetic location: 13q13.3.
Variant type: single nucleotide variant.
Coding change: c.2425C>T on transcript NM_207361.6 (MANE Select); coding-DNA position 2425, C replaced by T.
Protein change: p.Arg809Ter; replaces arginine 809 with a stop codon.
Molecular consequence: nonsense.
Genome position (GRCh38, 1-based): chr13:38,689,769, C>T. VCF-style: chr13-38689769-C-T. GRCh37 (hg19) VCF-style: chr13-39263906-C-T.
Other names: short protein forms R809*.
Identifiers: ClinVar variation 2799204 (VCV002799204.4), dbSNP rs761047751, ClinGen allele CA387888794.